The following is an entry in ClinVar:

ClinVar aggregate classification (germline): Conflicting classifications of pathogenicity. Review status: criteria provided, conflicting classifications (1 of 4 stars). 5 submissions from 5 submitters: Likely pathogenic (4); Uncertain significance (1). Last evaluated 2025-10-02.

Conditions:
Marfan syndrome (MFS). Also called: Marfan syndrome, classic; FBN1-Related Marfan Syndrome; Marfan syndrome type 1; Marfan's syndrome; MARFAN SYNDROME, TYPE I. Identifiers: Orphanet 284963, Orphanet 558, MedGen C0024796, MONDO:0007947, OMIM 154700.
Familial thoracic aortic aneurysm and aortic dissection (TAAD). Also called: Thoracic aortic aneurysms and dissections. Identifiers: Orphanet 91387, MedGen C4707243, MONDO:0019625.

Submissions (5):

Labcorp Genetics (formerly Invitae), Labcorp
Classification: Likely pathogenic for Marfan syndrome; Familial thoracic aortic aneurysm and aortic dissection. Last evaluated: 2025-10-02. Review status: criteria provided, single submitter. Criteria: Invitae Variant Classification Sherloc (09022015). Collection method: clinical testing. Allele origin: germline.
Comment: This sequence change replaces glycine, which is neutral and non-polar, with glutamic acid, which is acidic and polar, at codon 716 of the FBN1 protein (p.Gly716Glu). This variant is not present in population databases (gnomAD no frequency). This missense change has been observed in individual(s) with clinical features of FBN1-related conditions (internal data). ClinVar contains an entry for this variant (Variation ID: 199989). Invitae Evidence Modeling of protein sequence and biophysical properties (such as structural, functional, and spatial information, amino acid conservation, physicochemical variation, residue mobility, and thermodynamic stability) indicates that this missense variant is expected to disrupt FBN1 protein function with a positive predictive value of 95%. In summary, the currently available evidence indicates that the variant is pathogenic, but additional data are needed to prove that conclusively. Therefore, this variant has been classified as Likely Pathogenic.

Women's Health and Genetics/Laboratory Corporation of America, LabCorp
Classification: Uncertain significance. Last evaluated: 2023-07-24. Review status: criteria provided, single submitter. Criteria: LabCorp Variant Classification Summary - May 2015. Collection method: clinical testing. Allele origin: germline.
Comment: Variant summary: FBN1 c.2147G>A (p.Gly716Glu) results in a non-conservative amino acid change located in the TGF-beta binding protein domain (Baudhuin_2019) of the encoded protein sequence. Five of five in-silico tools predict a damaging effect of the variant on protein function. The variant was absent in 251490 control chromosomes (gnomAD). The available data on variant occurrences in the general population are insufficient to allow any conclusion about variant significance. To our knowlege, c.2147G>A has not been reported in the literature in individuals affected with Marfan Syndrome and no experimental evidence demonstrating an impact on protein function has been reported. The following publication was ascertained in the context of this evaluation (PMID: 31227806). Two submitters have reported clinical-significance assessments for this variant to ClinVar after 2014. Both submitters classified the variant as likely pathogenic, however without evidence for independent evaluation. Based on the evidence outlined above, the variant was classified as uncertain significance.

New York Genome Center
Classification: Likely pathogenic for Marfan syndrome. Last evaluated: 2023-05-23. Review status: criteria provided, single submitter. Criteria: NYGC Assertion Criteria 2020. Collection method: clinical testing. Allele origin: germline. Affected: yes. Observed: 1 heterozygote.
Comment: The c.2147G>A variant in FBN1 has not previously been reported in the literature and it has been deposited in ClinVar [ClinVar ID: 199989] as Likely Pathogenic with respect to Marfan syndrome. The c.2147G>A variant is absent from population databases (gnomAD v2.1.1 and v3.1.2, TOPMed Freeze 8), suggesting it is not a common benign variant in the populations represented in those databases. The c.2147G>A variant in FBN1 is located in exon 18 of this 66-exon gene and predicted to replace an evolutionarily conserved glycine amino acid with glutamic acid at position 716 of the encoded protein. In silico predictions are in favor of damaging effectfor p.(Gly716Glu) variant's effect [(CADD v1.6 = 24.1, REVEL = 0.645)]; however, there are no functional studies to support or refute these predictions. Variants nearby p.(Gly716) residue within the kinase domain have been reported in the literature [PMID: 18435798] in individuals with Marfan syndrome. Based on available evidence this c.2147G>A p.(Gly716Glu) variant identified in FBN1 is classified as Likely Pathogenic.

Molecular Diagnostic Laboratory for Inherited Cardiovascular Disease, Montreal Heart Institute
Classification: Likely pathogenic for Marfan syndrome. Last evaluated: 2017-06-28. Review status: criteria provided, single submitter. Criteria: ACMG Guidelines, 2015. Collection method: clinical testing. Allele origin: germline. Affected: yes.

GeneDx
Classification: Likely pathogenic. Last evaluated: 2013-08-05. Review status: criteria provided, single submitter. Criteria: GeneDx Variant Classification (06012015). Collection method: clinical testing. Allele origin: germline. Affected: yes.
Comment: p.Gly716Glu (GGA>GAA): c.2147 G>A in exon 18 of the FBN1 gene (NM_000138.4) The Gly716Glu variant in the FBN1 gene has not been reported as a disease-causing mutation or as a benign polymorphism to our knowledge. Gly716Glu results in a non-conservative amino acid substitution of non-polar Glycine with a negatively charged Glutamic acid at a position that is conserved across species. In silico analysis predicts Gly716Glu is damaging to the protein structure/function. Mutations in nearby residues (Cys711Tyr, Gly721Cys, Asp723Val, Asp723Ala, Ile724Val, Ile724Arg) have been reported in association with Marfan syndrome, further supporting the functional importance of this region of the protein. Furthermore, the Gly716Glu variant was not observed in approximately 6,500 individuals of European and African American ancestry in the NHLBI Exome Sequencing Project, indicating it is not a common benign variant in these populations.In summary, while Gly716Glu is a good candidate for a disease-causing mutation, with the clinical and molecular information available at this time we cannot unequivocally determine the clinical significance of this variant.The variant is found in TAAD panel(s).

Literature cited by the submitters: PubMed 31227806 (cited by Women's Health and Genetics/Laboratory Corporation of America, LabCorp).

NM_000138.5(FBN1):c.2147G>A (p.Gly716Glu)

Gene: FBN1 (fibrillin 1; minus strand). Cytogenetic location: 15q21.1.
Variant type: single nucleotide variant.
Coding change: c.2147G>A on transcript NM_000138.5 (MANE Select); coding-DNA position 2147, G replaced by A.
Protein change: p.Gly716Glu; replaces glycine 716 with glutamic acid.
Molecular consequence: missense variant.
Genome position (GRCh38, 1-based): chr15:48,499,005, C>T on the plus strand (G>A on the coding strand, the complement: FBN1 is on the minus strand). VCF-style: chr15-48499005-C-T. GRCh37 (hg19) VCF-style: chr15-48791202-C-T.
Other names: p.G716E:GGA>GAA; short protein forms G716E.
Identifiers: ClinVar variation 199989 (VCV000199989.13), dbSNP rs794728185, ClinGen allele CA012814.
Genomic context (GRCh38, chr15:48,499,005, plus strand): 5'-GCACATACTGAAGGTAGTAAATTTTGAAAGGAATCCTTACCACTGCCTGCTGACGTCATT[C>T]CTGGCCCACTGCTGCAGAGTGCCTGATATTCCGCTGCAATAAATTAACAGATAGTAAATG-3'
Protein context (NP_000129.3, residues 706-726): EYQALCSSGP[Gly716Glu]MTSAGSDINE